The following is an entry in ClinVar:

ClinVar aggregate classification (germline): Uncertain significance (1 of 4 stars; one submission).

Submission:

Labcorp Genetics (formerly Invitae), Labcorp
Classification: Uncertain significance. Last evaluated: 2025-06-16. Review status: criteria provided, single submitter. Criteria: Invitae Variant Classification Sherloc (09022015). Collection method: clinical testing. Allele origin: germline.
Comment: This sequence change replaces glycine, which is neutral and non-polar, with valine, which is neutral and non-polar, at codon 9 of the NCSTN protein (p.Gly9Val). This variant is not present in population databases (gnomAD no frequency). This variant has not been reported in the literature in individuals affected with NCSTN-related conditions. An algorithm developed to predict the effect of missense changes on protein structure and function outputs the following: PolyPhen-2: "Benign". The valine amino acid residue is found in multiple mammalian species, which suggests that this missense change does not adversely affect protein function. In summary, the available evidence is currently insufficient to determine the role of this variant in disease. Therefore, it has been classified as a Variant of Uncertain Significance.

NM_015331.3(NCSTN):c.26G>T (p.Gly9Val)

Gene: NCSTN (nicastrin; plus strand). Cytogenetic location: 1q23.2.
Variant type: single nucleotide variant.
Coding change: c.26G>T on transcript NM_015331.3 (MANE Select); coding-DNA position 26, G replaced by T.
Protein change: p.Gly9Val; replaces glycine 9 with valine.
Molecular consequence: missense variant. On other transcripts: 5 prime UTR variant (1).
Genome position (GRCh38, 1-based): chr1:160,343,422, G>T. VCF-style: chr1-160343422-G-T. GRCh37 (hg19) VCF-style: chr1-160313212-G-T.
Other names: c.-174G>T (NM_001290184.2); c.26G>T, p.Gly9Val (NM_001290186.2, NM_001349729.2); short protein forms G9V.
Identifiers: ClinVar variation 4766046 (VCV004766046.1).